The following is an entry in ClinVar:

NM_000353.3(TAT):c.1037_1038del (p.Leu346fs)

Genes: TAT (tyrosine aminotransferase; minus strand), TAT-AS1 (TAT antisense RNA 1; plus strand). Cytogenetic location: 16q22.2.
Variant type: Deletion.
Coding change: c.1037_1038del on transcript NM_000353.3 (MANE Select); coding-DNA positions 1037 to 1038, 2 bases deleted (TC; older notation c.1037_1038delTC).
Protein change: p.Leu346fs; shifts the reading frame from leucine 346.
Molecular consequence: frameshift variant.
Genome position (GRCh38, 1-based): chr16:71,570,272-71,570,273, GA deleted on the plus strand (TC on the coding strand, the reverse complement: TAT is on the minus strand); deleting any 2 consecutive bases within chr16:71,570,272-71,570,274 gives the same sequence; the c. name uses the placement nearest the transcript's 3' end. VCF-style (leftmost placement, unchanged base first): chr16-71570271-TGA-T. GRCh37 (hg19) VCF-style: chr16-71604174-TGA-T.
Other names: short protein forms L346fs.
Identifiers: ClinVar variation 1724862 (VCV001724862.2), dbSNP rs2507662681, ClinGen allele CA2580092037.

ClinVar aggregate classification (germline): Likely pathogenic (1 of 4 stars; one submission).

Conditions:
Tyrosinemia type II (TYRSN2). Also called: KERATOSIS PALMOPLANTARIS WITH CORNEAL DYSTROPHY; OREGON TYPE TYROSINEMIA; TAT DEFICIENCY; TYROSINE AMINOTRANSFERASE DEFICIENCY; TYROSINE TRANSAMINASE DEFICIENCY. Identifiers: Orphanet 28378, MedGen C0268487, MONDO:0010160, OMIM 276600.

Submission:

Myriad Genetics, Inc.
Classification: Likely pathogenic for Tyrosinemia type II. Last evaluated: 2022-03-02. Review status: criteria provided, single submitter. Criteria: Myriad Women's Health Autosomal Recessive and X-Linked Classification Criteria (2021). Collection method: clinical testing. Allele origin: unknown.
Comment: NM_000353.2(TAT):c.1037_1038delTC(L346Qfs*5) is expected to be pathogenic in the context of tyrosinemia type II. This variant is predicted to lead to an abnormal or absent protein product due to the creation of a premature termination codon in TAT, a gene where loss-of-function variants are known to be pathogenic. Please note: this variant was assessed in the context of healthy population screening.